The following is an entry in ClinVar:

NM_001134363.3(RBM20):c.2147G>A (p.Arg716Gln)

Gene: RBM20 (RNA binding motif protein 20; plus strand). Cytogenetic location: 10q25.2.
Variant type: single nucleotide variant.
Coding change: c.2147G>A on transcript NM_001134363.3 (MANE Select); coding-DNA position 2147, G replaced by A.
Protein change: p.Arg716Gln; replaces arginine 716 with glutamine.
Molecular consequence: missense variant.
Genome position (GRCh38, 1-based): chr10:110,812,544, G>A. VCF-style: chr10-110812544-G-A. GRCh37 (hg19) VCF-style: chr10-112572302-G-A.
Other names: p.R716Q:CGG>CAG; short protein forms R716Q.
Identifiers: ClinVar variation 43986 (VCV000043986.40), dbSNP rs375798246, ClinGen allele CA133304.

ClinVar aggregate classification (germline): Conflicting classifications of pathogenicity. Review status: criteria provided, conflicting classifications (1 of 4 stars). 16 submissions from 16 submitters: Uncertain significance (9); Likely benign (2). 5 of the submissions do not count toward it. Last evaluated 2026-09-09.

Conditions:
Cardiovascular phenotype. Identifiers: MedGen CN230736.
Primary dilated cardiomyopathy (DCM). Also called: Dilated Cardiomyopathy. Identifiers: Orphanet 217604, MedGen C0007193, MeSH D002311, MONDO:0005021, HP:0001644. Inheritance: Various modes of inheritance.
Cardiomyopathy (CMYO). Also called: Cardiomyopathies. Identifiers: Orphanet 167848, MedGen C0878544, MONDO:0004994, HP:0001638. Inheritance: Various modes of inheritance.
Dilated cardiomyopathy 1DD (CMD1DD). Identifiers: Orphanet 154, MedGen C2750995, MONDO:0013168, OMIM 613172.

Allele frequency attached by ClinVar (database versions not stated): gnomAD 0.00007 and 0.00008; gnomAD exomes 0.00014; 1000 Genomes Project 30x 0.00016; 1000 Genomes Project 0.00020; TOPMed 0.00008; ESP Exome Variant Server 0.00022; ExAC 0.00030.
gnomAD v4.1: 365 of 1,551,720 alleles (0.024%); highest among the groups gnomAD compares: Non-Finnish European, 0.03%; 1 homozygote.

Submissions (16):

Ambry Genetics
Classification: Uncertain significance for Cardiovascular phenotype. Last evaluated: 2026-09-09. Review status: criteria provided, single submitter. Criteria: Ambry Variant Classification Scheme 2023. Collection method: clinical testing. Allele origin: germline.
Comment: The c.2147G>A (p.R716Q) alteration is located in exon 9 (coding exon 9) of the RBM20 gene. This alteration results from a G to A substitution at nucleotide position 2147, causing the arginine (R) at amino acid position 716 to be replaced by a glutamine (Q). Based on data from gnomAD, the A allele has an overall frequency of 0.013% (25/186496) total alleles studied. The highest observed frequency was 0.035% (8/22770) of South Asian alleles. Based on insufficient or conflicting evidence, the clinical significance of this alteration remains unclear.

Labcorp Genetics (formerly Invitae), Labcorp
Classification: Likely benign for Dilated cardiomyopathy 1DD. Last evaluated: 2026-02-03. Review status: criteria provided, single submitter. Criteria: Invitae Variant Classification Sherloc (09022015). Collection method: clinical testing. Allele origin: germline.

Molecular Diagnostic Laboratory for Inherited Cardiovascular Disease, Montreal Heart Institute
Classification: Uncertain significance for Cardiovascular phenotype. Last evaluated: 2025-04-09. Review status: criteria provided, single submitter. Criteria: ACMG Guidelines, 2015. Collection method: clinical testing. Allele origin: germline. Affected: yes.

ARUP Laboratories, Molecular Genetics and Genomics, ARUP Laboratories
Classification: Uncertain significance for Dilated cardiomyopathy 1DD. Last evaluated: 2024-12-05. Review status: criteria provided, single submitter. Criteria: ARUP Molecular Germline Variant Investigation Process 2024. Collection method: clinical testing. Allele origin: germline.
Comment: The RBM20 c.2147G>A; p.Arg716Gln variant (rs375798246) is reported in the literature in individuals affected with dilated cardiomyopathy (DCM) (Cowan 2018, Li 2010, Pugh 2014, Verdonschot 2020). This variant was found in multiple affected members of a large family with DCM; however, it was also found in several unaffected members and was absent from several affected relatives (Cowan 2018, Li 2010). This variant is found in the general population with an overall allele frequency of 0.013% (25/186,496 alleles) in the Genome Aggregation Database (v2.1.1). Computational analyses are uncertain whether this variant is neutral or deleterious (REVEL: 0.396). Functional analysis suggests the variant is associated with aberrant TTN isoform expression patterns relative to wildtype RBM20 (Guo 2012), but the clinical significance of this difference is unclear. Due to limited and conflicting information, the clinical significance of this variant is uncertain at this time. References: Cowan JR et al. Multigenic Disease and Bilineal Inheritance in Dilated Cardiomyopathy Is Illustrated in Nonsegregating LMNA Pedigrees. Circ Genom Precis Med. 2018 Jul;11(7):e002038. PMID: 30012837. Guo W et al. RBM20, a gene for hereditary cardiomyopathy, regulates titin splicing. Nat Med. 2012 May;18(5):766-73. PMID: 22466703. Li D et al. Identification of novel mutations in RBM20 in patients with dilated cardiomyopathy. Clin Transl Sci. 2010 Jun;3(3):90-7. PMID: 20590677. Pugh TJ et al. The landscape of genetic variation in dilated cardiomyopathy as surveyed by clinical DNA sequencing. Genet Med. 2014 Aug;16(8):601-8. PMID: 24503780. Verdonschot JAJ et al. Implications of Genetic Testing in Dilated Cardiomyopathy. Circ Genom Precis Med. 2020 Oct;13(5):476-487. PMID: 32880476.

GeneDx
Classification: Uncertain significance. Last evaluated: 2024-06-27. Review status: criteria provided, single submitter. Criteria: GeneDx Variant Classification Process June 2021. Collection method: clinical testing. Allele origin: germline. Affected: yes.
Comment: In silico analysis indicates that this missense variant does not alter protein structure/function; This variant is associated with the following publications: (PMID: 22466703, 23299917, 25637381, 33671899, 20590677, 18585512, 30871351, 34575212, 30847666, 32880476, 34036930, 30012837, 37652022)

Fulgent Genetics
Classification: Uncertain significance for Dilated cardiomyopathy 1DD. Last evaluated: 2024-05-24. Review status: criteria provided, single submitter. Criteria: ACMG Guidelines, 2015. Collection method: clinical testing. Allele origin: germline.

Blueprint Genetics
Classification: Likely benign. Last evaluated: 2024-03-03. Review status: criteria provided, single submitter. Criteria: ACMG Guidelines, 2015. Collection method: clinical testing. Allele origin: germline.

Mayo Clinic Laboratories, Mayo Clinic
Classification: Uncertain significance. Last evaluated: 2023-09-20. Review status: criteria provided, single submitter. Criteria: ACMG Guidelines, 2015. Collection method: clinical testing. Allele origin: germline. Observed: 1 variant allele.
Comment: BS4, BP5, PP2

Women's Health and Genetics/Laboratory Corporation of America, LabCorp
Classification: Uncertain significance. Last evaluated: 2021-06-21. Review status: criteria provided, single submitter. Criteria: LabCorp Variant Classification Summary - May 2015. Collection method: clinical testing. Allele origin: germline.
Comment: Variant summary: RBM20 c.2147G>A (p.Arg716Gln) results in a conservative amino acid change in the encoded protein sequence. Four of five in-silico tools predict a benign effect of the variant on protein function. The variant allele was found at a frequency of 0.00014 in 155108 control chromosomes. The observed variant frequency is approximately 2.89 fold of the estimated maximal expected allele frequency for a pathogenic variant in RBM20 causing Dilated Cardiomyopathy phenotype (4.7e-05), suggesting that the variant is benign. c.2147G>A has been reported in the literature in individuals affected with Dilated Cardiomyopathy. In one large, well-phenotyped family, the variant was shown to segregate with disease in nine additional family members, however the variant was also present in three members who were clinically unaffected, and the variant was absent in three members who had clinical signs of DCM (Li_2010, Cowan_2018). In this family, several members also carried a second variant in the LMNA gene which may impact phenotype. Additionally, the LMM laboratory reports the variant to not segregate with disease in 2 affected relatives from one family (LMM unpublished data). The variant has also been reported in individual affected patients in the literature, without strong evidence for causality (Pugh_2014, Verdonschot_2020). To our knowledge, no experimental evidence demonstrating an impact on protein function has been reported. Five clinical diagnostic laboratories have submitted clinical-significance assessments for this variant to ClinVar after 2014 without evidence for independent evaluation. All laboratories classified the variant as uncertain significance. Based on the evidence outlined above, the variant was classified as VUS.

CHEO Genetics Diagnostic Laboratory, Children's Hospital of Eastern Ontario
Classification: Uncertain significance for Cardiomyopathy. Last evaluated: 2017-03-02. Review status: criteria provided, single submitter. Criteria: ACMG Guidelines, 2015. Collection method: clinical testing. Allele origin: germline. Study: Canadian Open Genetics Repository.

Laboratory for Molecular Medicine, Mass General Brigham Personalized Medicine
Classification: Uncertain significance. Last evaluated: 2015-11-19. Review status: criteria provided, single submitter. Criteria: LMM Criteria. Collection method: clinical testing. Allele origin: germline. Observed: 10 variant alleles.
Comment: The p.Arg716Gln variant in RBM20 has been reported in 1 individual with DCM (Li 2010), which segregated with disease in 8 affected relatives and was identified in 2 relatives that verbally reported they had some cardiovascular abnormalities . However, 3 of the affected relatives also carried a second variant of unclear clinical significance in LMNA (p.Arg388His)(Parks 2008, Li 2010). Importantly, 1 affected relative and 2 relatives that verbally reported they had some cardiova scular abnormalities did not carry either variant. Our laboratory has detected t his variant in a 3 individuals (two adults who also carried an additional diseas e-causing variant and one child) with DCM, but did not segregate with disease in 2 affected relatives from one family (LMM unpublished data). These nonsegregati ons raise concern as to whether the RBM20 variant is disease-causing. This varia nt has also been identified in 2/8492 European chromosomes and 4/7910 South Asia n chromosomes by the Exome Aggregation Consortium (ExAC; dbSNP rs375798246). The p.Arg716Gln variant lies within exon 9, which encodes a conserved protein domain where other pathogenic variants have been rep orted (Brauch 2009, Li 2010). However, the affected amino acid is poorly conserv ed in evolution, suggesting that a change at his position may be tolerated. Conv ersely, an in vitro splice reporter assay provided some evidence that the p.Arg7 16Gln variant may impact protein function (Guo 2012). However, these types of as says may not accurately represent biological function or disease mechanism. In s ummary, the clinical significance of the p.Arg716Gln variant is uncertain due to the conflicting data.

CSER _CC_NCGL, University of Washington
Classification: Uncertain significance for Cardiomyopathy, dilated. Last evaluated: 2014-06-01. Review status: no assertion criteria provided. Collection method: research. Allele origin: germline. Inheritance: Autosomal dominant inheritance. Study: ESP 6500 variant annotation. Not counted in ClinVar's aggregate classification.
Comment: Variants classified for the Actionable exomic incidental findings in 6503 participants: challenges of variant classification manuscript

Clinical Genetics, Academic Medical Center
Classification: Uncertain significance. Review status: no assertion criteria provided. Collection method: clinical testing. Allele origin: germline. Affected: yes. Study: VKGL Data-share Consensus. Not counted in ClinVar's aggregate classification.

Diagnostic Laboratory, Department of Genetics, University Medical Center Groningen
Classification: Uncertain significance for Dilated cardiomyopathy 1DD. Review status: no assertion criteria provided. Collection method: clinical testing. Allele origin: germline. Affected: yes. Study: VKGL Data-share Consensus. Not counted in ClinVar's aggregate classification.

Genome Diagnostics Laboratory, University Medical Center Utrecht
Classification: Uncertain significance. Review status: no assertion criteria provided. Collection method: clinical testing. Allele origin: germline. Affected: yes. Study: VKGL Data-share Consensus. Not counted in ClinVar's aggregate classification.

Joint Genome Diagnostic Labs from Nijmegen and Maastricht, Radboudumc and MUMC+
Classification: Uncertain significance. Review status: no assertion criteria provided. Collection method: clinical testing. Allele origin: germline. Affected: yes. Study: VKGL Data-share Consensus. Not counted in ClinVar's aggregate classification.

Literature cited by the submitters: PubMed 18585512 (cited by Mayo Clinic Laboratories, Mayo Clinic and Laboratory for Molecular Medicine, Mass General Brigham Personalized Medicine); PubMed 20590677 (cited by 3 submitters); PubMed 22466703 (cited by Mayo Clinic Laboratories, Mayo Clinic and Laboratory for Molecular Medicine, Mass General Brigham Personalized Medicine); PubMed 23299917 (cited by Mayo Clinic Laboratories, Mayo Clinic); PubMed 23861363 (cited by Mayo Clinic Laboratories, Mayo Clinic); PubMed 30012837 (cited by Mayo Clinic Laboratories, Mayo Clinic and Women's Health and Genetics/Laboratory Corporation of America, LabCorp); PubMed 30847666 (cited by Mayo Clinic Laboratories, Mayo Clinic); PubMed 30871351 (cited by Mayo Clinic Laboratories, Mayo Clinic); PubMed 32880476 (cited by Mayo Clinic Laboratories, Mayo Clinic and Women's Health and Genetics/Laboratory Corporation of America, LabCorp); PubMed 34036930 (cited by Mayo Clinic Laboratories, Mayo Clinic); PubMed 24503780 (cited by Women's Health and Genetics/Laboratory Corporation of America, LabCorp); PubMed 29540472 (cited by Women's Health and Genetics/Laboratory Corporation of America, LabCorp); PubMed 25637381 (cited by Laboratory for Molecular Medicine, Mass General Brigham Personalized Medicine).